The following is an entry in ClinVar:

NM_004360.5(CDH1):c.2018A>G (p.Gln673Arg)

Gene: CDH1 (cadherin 1; plus strand). Cytogenetic location: 16q22.1.
Variant type: single nucleotide variant.
Coding change: c.2018A>G on transcript NM_004360.5 (MANE Select); coding-DNA position 2018, A replaced by G.
Protein change: p.Gln673Arg; replaces glutamine 673 with arginine.
Molecular consequence: missense variant.
Genome position (GRCh38, 1-based): chr16:68,823,480, A>G. VCF-style: chr16-68823480-A-G. GRCh37 (hg19) VCF-style: chr16-68857383-A-G.
Other names: c.1835A>G, p.Gln612Arg (NM_001317184.2); c.470A>G, p.Gln157Arg (NM_001317185.2); c.53A>G, p.Gln18Arg (NM_001317186.2); short protein forms Q157R, Q612R, Q18R, Q673R.
Identifiers: ClinVar variation 3830001 (VCV003830001.1).
Genomic context (GRCh38, chr16:68,823,480, plus strand): 5'-AGCCAAAGATGGCCTTAGAGGTGGGTGACTACAAAATCAATCTCAAGCTCATGGATAACC[A>G]GAATAAAGACCAAGTGACCACCTTAGAGGTCAGCGTGTGTGACTGTGAAGGGGCCGCTGG-3'
Protein context (NP_004351.1, residues 663-683): YKINLKLMDN[Gln673Arg]NKDQVTTLEV

ClinVar aggregate classification (germline): Uncertain significance (1 of 4 stars; one submission).

Conditions:
Hereditary cancer-predisposing syndrome. Also called: Hereditary neoplastic syndrome; Neoplastic Syndromes, Hereditary; Tumor predisposition; Hereditary Cancer Syndrome. Identifiers: Orphanet 140162, MedGen C0027672, MeSH D009386, MONDO:0015356.

gnomAD v4.1: 1 of 1,614,156 alleles (0.000062%); highest among the groups gnomAD compares: Non-Finnish European, 0.000085%; no homozygotes.

Submission:

Ambry Genetics
Classification: Uncertain significance for Hereditary cancer-predisposing syndrome. Last evaluated: 2025-02-22. Review status: criteria provided, single submitter. Criteria: Ambry Variant Classification Scheme 2023. Collection method: clinical testing. Allele origin: germline.
Comment: The p.Q673R variant (also known as c.2018A>G), located in coding exon 13 of the CDH1 gene, results from an A to G substitution at nucleotide position 2018. The glutamine at codon 673 is replaced by arginine, an amino acid with highly similar properties. This amino acid position is conserved. In addition, the in silico prediction for this alteration is inconclusive. Based on the available evidence, the clinical significance of this variant remains unclear.